The following is an entry in ClinVar:

ClinVar aggregate classification (germline): Uncertain significance. Review status: criteria provided, multiple submitters, no conflicts (2 of 4 stars). 4 submissions from 4 submitters: Uncertain significance (4). Last evaluated 2025-06-23.

Conditions:
Cardiovascular phenotype. Identifiers: MedGen CN230736.
Long QT syndrome (LQTS). Identifiers: MedGen C0023976, MeSH D008133, MONDO:0002442. Disease mechanism: loss of function. Inheritance: Various modes of inheritance.

Submissions (4):

Ambry Genetics
Classification: Uncertain significance for Cardiovascular phenotype. Last evaluated: 2025-06-23. Review status: criteria provided, single submitter. Criteria: Ambry Variant Classification Scheme 2023. Collection method: clinical testing. Allele origin: germline.
Comment: The p.A306P variant (also known as c.916G>C), located in coding exon 10 of the ANK2 gene, results from a G to C substitution at nucleotide position 916. The alanine at codon 306 is replaced by proline, an amino acid with highly similar properties. This amino acid position is conserved. In addition, this alteration is predicted to be deleterious by in silico analysis. Based on the available evidence, the clinical significance of this variant remains unclear.

GeneDx
Classification: Uncertain significance. Last evaluated: 2025-04-21. Review status: criteria provided, single submitter. Criteria: GeneDx Variant Classification Process June 2021. Collection method: clinical testing. Allele origin: germline. Affected: yes.
Comment: Not observed at significant frequency in large population cohorts (gnomAD); In silico analysis supports that this missense variant has a deleterious effect on protein structure/function; Has not been previously published as pathogenic or benign to our knowledge

Labcorp Genetics (formerly Invitae), Labcorp
Classification: Uncertain significance for Long QT syndrome. Last evaluated: 2024-10-28. Review status: criteria provided, single submitter. Criteria: Invitae Variant Classification Sherloc (09022015). Collection method: clinical testing. Allele origin: germline.
Comment: This sequence change replaces alanine, which is neutral and non-polar, with proline, which is neutral and non-polar, at codon 306 of the ANK2 protein (p.Ala306Pro). This variant is not present in population databases (gnomAD no frequency). This variant has not been reported in the literature in individuals affected with ANK2-related conditions. ClinVar contains an entry for this variant (Variation ID: 1063082). Invitae Evidence Modeling of protein sequence and biophysical properties (such as structural, functional, and spatial information, amino acid conservation, physicochemical variation, residue mobility, and thermodynamic stability) indicates that this missense variant is expected to disrupt ANK2 protein function with a positive predictive value of 80%. In summary, the available evidence is currently insufficient to determine the role of this variant in disease. Therefore, it has been classified as a Variant of Uncertain Significance.

AiLife Diagnostics
Classification: Uncertain significance. Last evaluated: 2022-02-13. Review status: criteria provided, single submitter. Criteria: ACMG Guidelines, 2015. Collection method: clinical testing. Allele origin: germline. Affected: yes. Observed: 1 variant allele.

NM_001148.6(ANK2):c.916G>C (p.Ala306Pro)

Gene: ANK2 (ankyrin 2; plus strand). Cytogenetic location: 4q26.
Variant type: single nucleotide variant.
Coding change: c.916G>C on transcript NM_001148.6 (MANE Select); coding-DNA position 916, G replaced by C.
Protein change: p.Ala306Pro; replaces alanine 306 with proline.
Molecular consequence: missense variant.
Genome position (GRCh38, 1-based): chr4:113,249,788, G>C. VCF-style: chr4-113249788-G-C. GRCh37 (hg19) VCF-style: chr4-114170944-G-C.
Other names: c.853G>C, p.Ala285Pro (NM_001127493.3, NM_001354239.2, NM_001354243.2 and 14 more transcripts); c.916G>C, p.Ala306Pro (NM_001354225.2, NM_001354228.2, NM_001354232.2 and 9 more transcripts); c.961G>C, p.Ala321Pro (NM_001354230.2, NM_001354231.2, NM_001354237.2 and 5 more transcripts); c.829G>C, p.Ala277Pro (NM_001354249.2, NM_001354260.2, NM_001354264.2 and 16 more transcripts); c.874G>C, p.Ala292Pro (NM_001354261.2, NM_001386147.1, NM_001386160.1); c.904G>C, p.Ala302Pro (NM_001354269.3, NM_001386148.2, NM_001386186.2); c.967G>C, p.Ala323Pro (NM_001386174.1); c.943G>C, p.Ala315Pro (NM_001386175.1); and 2 more; short protein forms A277P, A285P, A292P, A294P, A302P, A306P, A315P, A321P.
Identifiers: ClinVar variation 1063082 (VCV001063082.8), dbSNP rs2153601483, ClinGen allele CA357922710.